The following is an entry in ClinVar:

NM_000093.5(COL5A1):c.4048C>G (p.Pro1350Ala)

Gene: COL5A1 (collagen type V alpha 1 chain; plus strand). Cytogenetic location: 9q34.3.
Variant type: single nucleotide variant.
Coding change: c.4048C>G on transcript NM_000093.5 (MANE Select); coding-DNA position 4048, C replaced by G.
Protein change: p.Pro1350Ala; replaces proline 1350 with alanine.
Molecular consequence: missense variant.
Genome position (GRCh38, 1-based): chr9:134,815,609, C>G. VCF-style: chr9-134815609-C-G. GRCh37 (hg19) VCF-style: chr9-137707455-C-G.
Other names: p.Pro1350Ala; c.4048C>G, p.Pro1350Ala (NM_001278074.1); short protein forms P1350A.
Identifiers: ClinVar variation 452990 (VCV000452990.12), dbSNP rs762699995, ClinGen allele CA5320105.
Genomic context (GRCh38, chr9:134,815,609, plus strand): 5'-GGCTGCTTCCTTCTTTCTTCCTTTCAGGGCCCAGTGGGTTTTCCTGGAGATCCTGGCCCC[C>G]CCGGAGAGCCTGGCCCCGCGGTAGGTGCTCAAGAGGGCAAAGCCACCGGATCCCCCACAG-3'
Protein context (NP_000084.3, residues 1340-1360): PVGFPGDPGP[Pro1350Ala]GEPGPAGQDG

ClinVar aggregate classification (germline): Conflicting classifications of pathogenicity. Review status: criteria provided, conflicting classifications (1 of 4 stars). 3 submissions from 3 submitters: Uncertain significance (2); Benign (1). Last evaluated 2025-06-18.

Conditions:
Ehlers-Danlos syndrome, classic type, 1 (EDSCL1). Also called: EHLERS-DANLOS SYNDROME, GRAVIS TYPE; EHLERS-DANLOS SYNDROME, SEVERE CLASSIC TYPE; EDS I; Ehlers-Danlos Syndrome, Classic Type, COL5A1-Related; Ehlers-Danlos syndrome, type 1. Identifiers: MedGen C0268335, MONDO:0019567, OMIM 130000.

Allele frequency attached by ClinVar (database versions not stated): TOPMed 0.00001.
gnomAD v4.1: 25 of 1,613,812 alleles (0.0015%); highest among the groups gnomAD compares: East Asian, 0.027%; no homozygotes.

Submissions (3):

GeneDx
Classification: Uncertain significance. Last evaluated: 2025-06-18. Review status: criteria provided, single submitter. Criteria: GeneDx Variant Classification Process June 2021. Collection method: clinical testing. Allele origin: germline. Affected: yes.
Comment: Reported in a proband with features of classic Ehlers-Danlos syndrome who harbored a second missense variant in the COL5A1 gene, both variants were also present in the affected father (PMID: 34265140); In silico analysis supports that this missense variant has a deleterious effect on protein structure/function; Occurs in the triple helical domain at the Y position in the canonical Gly-X-Y repeat; although this variant may have an effect on normal protein folding and function, missense substitution at the Y position is not a common mechanism of disease (PMID: 22696272; HGMD); This variant is associated with the following publications: (PMID: 34265140, 22696272)

Mayo Clinic Laboratories, Mayo Clinic
Classification: Uncertain significance. Last evaluated: 2025-06-01. Review status: criteria provided, single submitter. Criteria: ACMG Guidelines, 2015. Collection method: clinical testing. Allele origin: germline. Observed: 1 variant allele.
Comment: PP3

Labcorp Genetics (formerly Invitae), Labcorp
Classification: Benign for Ehlers-Danlos syndrome, classic type, 1. Last evaluated: 2024-01-11. Review status: criteria provided, single submitter. Criteria: Invitae Variant Classification Sherloc (09022015). Collection method: clinical testing. Allele origin: germline.

Literature cited by the submitters: PubMed 34265140 (cited by Mayo Clinic Laboratories, Mayo Clinic).